The following is an entry in ClinVar:

ClinVar aggregate classification (germline): Uncertain significance (1 of 4 stars; one submission).

Conditions:
Brugada syndrome. Also called: Sudden Unexplained Death Syndrome; Sudden Unexplained Nocturnal Death Syndrome (SUNDS); Sudden unexpected nocturnal death syndrome; Sudden unexplained nocturnal death syndrome. Identifiers: Orphanet 130, MedGen C1142166, MONDO:0015263.

Allele frequency attached by ClinVar (database versions not stated): gnomAD exomes below 0.00001.
gnomAD v4.1: 2 of 1,613,966 alleles (0.00012%); highest among the groups gnomAD compares: Admixed American, 0.0017%; no homozygotes.

Submission:

Labcorp Genetics (formerly Invitae), Labcorp
Classification: Uncertain significance for Brugada syndrome. Last evaluated: 2021-05-06. Review status: criteria provided, single submitter. Criteria: Invitae Variant Classification Sherloc (09022015). Collection method: clinical testing. Allele origin: germline.
Comment: In summary, the available evidence is currently insufficient to determine the role of this variant in disease. Therefore, it has been classified as a Variant of Uncertain Significance. This variant has not been reported in the literature in individuals with SCN10A-related conditions. This variant is not present in population databases (ExAC no frequency). This sequence change creates a premature translational stop signal (p.Trp1634*) in the SCN10A gene. While this is not anticipated to result in nonsense mediated decay, it is expected to disrupt the last 323 amino acid(s) of the SCN10A protein.

NM_006514.4(SCN10A):c.4902G>A (p.Trp1634Ter)

Gene: SCN10A (sodium voltage-gated channel alpha subunit 10; minus strand). Cytogenetic location: 3p22.2.
Variant type: single nucleotide variant.
Coding change: c.4902G>A on transcript NM_006514.4 (MANE Select); coding-DNA position 4902, G replaced by A.
Protein change: p.Trp1634Ter; replaces tryptophan 1634 with a stop codon.
Molecular consequence: nonsense.
Genome position (GRCh38, 1-based): chr3:38,698,318, C>T on the plus strand (G>A on the coding strand, the complement: SCN10A is on the minus strand). VCF-style: chr3-38698318-C-T. GRCh37 (hg19) VCF-style: chr3-38739809-C-T.
Other names: c.4899G>A, p.Trp1633Ter (NM_001293306.2); c.4608G>A, p.Trp1536Ter (NM_001293307.2); short protein forms W1536*, W1634*, W1633*.
Identifiers: ClinVar variation 1424580 (VCV001424580.6), dbSNP rs2125980207, ClinGen allele CA352155196.
Genomic context (GRCh38, chr3:38,698,318, plus strand): 5'-GAGGCACAGCATGCTGTTGGCGAAGGTCTGGAAGTTGAACATGTCGTCGATGCCAGCCTC[C>T]CACCTCACATGGGGAAAGCTGGACATACCGAAGATAGAGTAGATGAACATGACAAGGAAT-3'